The following is an entry in ClinVar:

NM_001379291.1(BRD4):c.598A>T (p.Thr200Ser)

Gene: BRD4 (bromodomain containing 4; minus strand). Cytogenetic location: 19p13.12.
Variant type: single nucleotide variant.
Coding change: c.598A>T on transcript NM_001379291.1 (MANE Select); coding-DNA position 598, A replaced by T.
Protein change: p.Thr200Ser; replaces threonine 200 with serine.
Molecular consequence: missense variant.
Genome position (GRCh38, 1-based): chr19:15,265,605, T>A on the plus strand (A>T on the coding strand, the complement: BRD4 is on the minus strand). VCF-style: chr19-15265605-T-A. GRCh37 (hg19) VCF-style: chr19-15376416-T-A.
Other names: c.598A>T, p.Thr200Ser (NM_001330384.2, NM_001379292.1, NM_014299.3 and 1 more transcripts); short protein forms T200S.
Identifiers: ClinVar variation 2367833 (VCV002367833.6), dbSNP rs542286965, ClinGen allele CA9265589.

ClinVar aggregate classification (germline): Uncertain significance. Review status: criteria provided, multiple submitters, no conflicts (2 of 4 stars). 2 submissions from 2 submitters: Uncertain significance (2). Last evaluated 2025-06-07.

Conditions:
Inborn genetic diseases. Identifiers: MedGen C0950123, MeSH D030342.

Allele frequency attached by ClinVar (database versions not stated): gnomAD 0.00002; gnomAD exomes 0.00003; ExAC 0.00007; 1000 Genomes Project 30x 0.00016; 1000 Genomes Project 0.00020.
gnomAD v4.1: 45 of 1,613,888 alleles (0.0028%); highest among the groups gnomAD compares: South Asian, 0.043%; no homozygotes.

Submissions (2):

Ambry Genetics
Classification: Uncertain significance for Inborn genetic diseases. Last evaluated: 2025-06-07. Review status: criteria provided, single submitter. Criteria: Ambry Variant Classification Scheme 2023. Collection method: clinical testing. Allele origin: germline.

Labcorp Genetics (formerly Invitae), Labcorp
Classification: Uncertain significance. Last evaluated: 2023-12-25. Review status: criteria provided, single submitter. Criteria: Invitae Variant Classification Sherloc (09022015). Collection method: clinical testing. Allele origin: germline.
Comment: This sequence change replaces threonine, which is neutral and polar, with serine, which is neutral and polar, at codon 200 of the BRD4 protein (p.Thr200Ser). This variant is present in population databases (rs542286965, gnomAD 0.05%), and has an allele count higher than expected for a pathogenic variant. This variant has not been reported in the literature in individuals affected with BRD4-related conditions. ClinVar contains an entry for this variant (Variation ID: 2367833). Experimental studies and prediction algorithms are not available or were not evaluated, and the functional significance of this variant is currently unknown. In summary, the available evidence is currently insufficient to determine the role of this variant in disease. Therefore, it has been classified as a Variant of Uncertain Significance.